The following is an entry in ClinVar:

ClinVar aggregate classification (germline): Uncertain significance (1 of 4 stars; one submission).

Submission:

Labcorp Genetics (formerly Invitae), Labcorp
Classification: Uncertain significance. Last evaluated: 2022-10-04. Review status: criteria provided, single submitter. Criteria: Invitae Variant Classification Sherloc (09022015). Collection method: clinical testing. Allele origin: germline.
Comment: This variant has not been reported in the literature in individuals affected with IGF1R-related conditions. This variant is not present in population databases (gnomAD no frequency). This sequence change replaces proline, which is neutral and non-polar, with histidine, which is basic and polar, at codon 1253 of the IGF1R protein (p.Pro1253His). Algorithms developed to predict the effect of missense changes on protein structure and function (SIFT, PolyPhen-2, Align-GVGD) all suggest that this variant is likely to be disruptive. In summary, the available evidence is currently insufficient to determine the role of this variant in disease. Therefore, it has been classified as a Variant of Uncertain Significance.

NM_000875.5(IGF1R):c.3758C>A (p.Pro1253His)

Gene: IGF1R (insulin like growth factor 1 receptor; plus strand). Cytogenetic location: 15q26.3.
Variant type: single nucleotide variant.
Coding change: c.3758C>A on transcript NM_000875.5 (MANE Select); coding-DNA position 3758, C replaced by A.
Protein change: p.Pro1253His; replaces proline 1253 with histidine.
Molecular consequence: missense variant.
Genome position (GRCh38, 1-based): chr15:98,957,096, C>A. VCF-style: chr15-98957096-C-A. GRCh37 (hg19) VCF-style: chr15-99500325-C-A.
Other names: c.3755C>A, p.Pro1252His (NM_001291858.2); short protein forms P1252H, P1253H.
Identifiers: ClinVar variation 1716527 (VCV001716527.5), dbSNP rs879225704, ClinGen allele CA393667866.